The following is an entry in ClinVar:

ClinVar aggregate classification (germline): Uncertain significance (1 of 4 stars; one submission).

Conditions:
Familial temporal lobe epilepsy 7. Identifiers: Orphanet 101046, MedGen C4225327, MONDO:0014639, OMIM 616436.
Norman-Roberts syndrome (LIS2). Also called: Lissencephaly 2 (Norman-Roberts type). Identifiers: Orphanet 89844, MedGen C0796089, MONDO:0009760, OMIM 257320.

Submission:

Labcorp Genetics (formerly Invitae), Labcorp
Classification: Uncertain significance for Familial temporal lobe epilepsy 7; Norman-Roberts syndrome. Last evaluated: 2024-06-13. Review status: criteria provided, single submitter. Criteria: Invitae Variant Classification Sherloc (09022015). Collection method: clinical testing. Allele origin: germline.
Comment: This sequence change replaces leucine, which is neutral and non-polar, with tryptophan, which is neutral and slightly polar, at codon 2942 of the RELN protein (p.Leu2942Trp). This variant is not present in population databases (gnomAD no frequency). This variant has not been reported in the literature in individuals affected with RELN-related conditions. Advanced modeling of protein sequence and biophysical properties (such as structural, functional, and spatial information, amino acid conservation, physicochemical variation, residue mobility, and thermodynamic stability) performed at Invitae indicates that this missense variant is not expected to disrupt RELN protein function with a negative predictive value of 80%. In summary, the available evidence is currently insufficient to determine the role of this variant in disease. Therefore, it has been classified as a Variant of Uncertain Significance.

NM_005045.4(RELN):c.8825T>G (p.Leu2942Trp)

Genes: SLC26A5-AS1 (SLC26A5 antisense RNA 1; plus strand), RELN (reelin; minus strand). Cytogenetic location: 7q22.1.
Variant type: single nucleotide variant.
Coding change: c.8825T>G on transcript NM_005045.4 (MANE Select); coding-DNA position 8825, T replaced by G.
Protein change: p.Leu2942Trp; replaces leucine 2942 with tryptophan.
Molecular consequence: missense variant.
Genome position (GRCh38, 1-based): chr7:103,498,095, A>C on the plus strand (T>G on the coding strand, the complement: RELN is on the minus strand). VCF-style: chr7-103498095-A-C. GRCh37 (hg19) VCF-style: chr7-103138542-A-C.
Other names: c.8825T>G, p.Leu2942Trp (NM_173054.3); short protein forms L2942W.
Identifiers: ClinVar variation 3756613 (VCV003756613.2).